The following is an entry in ClinVar:

ClinVar aggregate classification (germline): Uncertain significance (1 of 4 stars; one submission).

Conditions:
SDCCAG8-related disorder. Also called: SDCCAG8-Related Disorders; SDCCAG8-related condition.

Submission:

PreventionGenetics, part of Exact Sciences
Classification: Uncertain significance for SDCCAG8-related condition. Last evaluated: 2025-04-25. Review status: criteria provided, single submitter. Criteria: ACMG Guidelines, 2015. Collection method: clinical testing. Allele origin: germline.
Comment: The SDCCAG8 c.1734T>G variant is predicted to result in the amino acid substitution p.His578Gln. To our knowledge, this variant has not been reported in the literature or in a large population database (gnomAD), indicating this variant is rare. At this time, the clinical significance of this variant is uncertain due to the absence of conclusive functional and genetic evidence.

NM_006642.5(SDCCAG8):c.1734T>G (p.His578Gln)

Gene: SDCCAG8 (SHH signaling and ciliogenesis regulator SDCCAG8; plus strand). Cytogenetic location: 1q43.
Variant type: single nucleotide variant.
Coding change: c.1734T>G on transcript NM_006642.5 (MANE Select); coding-DNA position 1734, T replaced by G.
Protein change: p.His578Gln; replaces histidine 578 with glutamine.
Molecular consequence: missense variant.
Genome position (GRCh38, 1-based): chr1:243,415,819, T>G. VCF-style: chr1-243415819-T-G. GRCh37 (hg19) VCF-style: chr1-243579121-T-G.
Other names: c.831T>G, p.His277Gln (NM_001350246.2, NM_001350247.2, NM_001350251.2); c.1830T>G, p.His610Gln (NM_001350248.2); c.1440T>G, p.His480Gln (NM_001350249.2); short protein forms H277Q, H480Q, H578Q, H610Q.
Identifiers: ClinVar variation 4989171 (VCV004989171.1).